The following is an entry in ClinVar:

ClinVar aggregate classification (germline): Uncertain significance (1 of 4 stars; one submission).

Conditions:
GLI3-related disorder. Also called: GLI3-related condition; GLI3-related disorders. Identifiers: MedGen CN239292.

Submission:

PreventionGenetics, part of Exact Sciences
Classification: Uncertain significance for GLI3-related condition. Last evaluated: 2025-12-26. Review status: criteria provided, single submitter. Criteria: ACMG Guidelines, 2015. Collection method: clinical testing. Allele origin: germline.
Comment: The GLI3 c.1372_1373delinsTT variant is predicted to result in an in-frame deletion and insertion. To our knowledge, this variant has not been reported in the literature or in a large population database (gnomAD), indicating this variant is rare. At this time, the clinical significance of this variant is uncertain due to the absence of conclusive functional and genetic evidence.

NM_000168.6(GLI3):c.1372_1373delinsTT (p.Thr458Leu)

Gene: GLI3 (GLI family zinc finger 3; minus strand). Cytogenetic location: 7p14.1.
Variant type: Indel.
Coding change: c.1372_1373delinsTT on transcript NM_000168.6 (MANE Select); coding-DNA positions 1372 to 1373, AC replaced by TT.
Protein change: p.Thr458Leu; replaces threonine 458 with leucine.
Molecular consequence: missense variant.
Genome position (GRCh38, 1-based): chr7:42,023,592-42,023,593, GT replaced by AA on the plus strand (AC replaced by TT on the coding strand, the reverse complement: GLI3 is on the minus strand). VCF-style: chr7-42023592-GT-AA. GRCh37 (hg19) VCF-style: chr7-42063191-GT-AA.
Other names: short protein forms T458L.
Identifiers: ClinVar variation 4993956 (VCV004993956.1).